The following is an entry in ClinVar:

ClinVar aggregate classification (germline): Uncertain significance. Review status: criteria provided, multiple submitters, no conflicts (2 of 4 stars). 3 submissions from 3 submitters: Uncertain significance (3). Last evaluated 2024-04-03.

Conditions:
Hereditary cancer-predisposing syndrome. Also called: Neoplastic Syndromes, Hereditary; Hereditary Cancer Syndrome; Hereditary neoplastic syndrome; Tumor predisposition. Identifiers: Orphanet 140162, MedGen C0027672, MeSH D009386, MONDO:0015356.
Hereditary pheochromocytoma and paraganglioma. Also called: Hereditary Paraganglioma-Pheochromocytoma Syndromes; Hereditary pheochromocytoma-paraganglioma; Hereditary paragangliomas and pheochromocytomas. Identifiers: Orphanet 29072, MedGen C4274332, MONDO:0017366.
Pheochromocytoma/paraganglioma syndrome 4. Also called: CAROTID BODY TUMORS AND MULTIPLE EXTRAADRENAL PHEOCHROMOCYTOMAS; SDHB-Related Hereditary Paraganglioma-Pheochromocytoma Syndrome; Paragangliomas 4; SDHB-Related Hereditary Paraganglioma-Pheochromocytoma Syndrome (Paragangliomas 4); PARAGANGLIOMA, FAMILIAL MALIGNANT; PARAGANGLIOMAS, HEREDITARY EXTRAADRENAL. Identifiers: Orphanet 29072, MedGen C1861848, MONDO:0007273, OMIM 115310.
Gastrointestinal stromal tumor. Also called: Gastrointestinal stromal tumor, somatic; Gastrointestinal stroma tumor. Identifiers: Orphanet 44890, MedGen C0238198, MeSH D046152, MONDO:0011719, OMIM 606764, HP:0100723.
Pheochromocytoma. Also called: MAX-Related Hereditary Paraganglioma-Pheochromocytoma Syndrome. Identifiers: Orphanet 29072, MedGen C0031511, MONDO:0008233, OMIM 171300, HP:0002666.

Allele frequency attached by ClinVar (database versions not stated): gnomAD exomes below 0.00001; ExAC 0.00001; gnomAD 0.00001.
gnomAD v4.1: 2 of 1,613,682 alleles (0.00012%); highest among the groups gnomAD compares: Non-Finnish European, 0.00017%; no homozygotes.

Submissions (3):

Ambry Genetics
Classification: Uncertain significance for Hereditary cancer-predisposing syndrome. Last evaluated: 2024-04-03. Review status: criteria provided, single submitter. Criteria: Ambry Variant Classification Scheme 2023. Collection method: clinical testing. Allele origin: germline.
Comment: The p.A190T variant (also known as c.568G>A), located in coding exon 6 of the SDHB gene, results from a G to A substitution at nucleotide position 568. The alanine at codon 190 is replaced by threonine, an amino acid with similar properties. This amino acid position is highly conserved in available vertebrate species. In addition, this alteration is predicted to be deleterious by in silico analysis. Based on the available evidence, the clinical significance of this variant remains unclear.

All of Us Research Program, National Institutes of Health
Classification: Uncertain significance for Hereditary pheochromocytoma and paraganglioma. Last evaluated: 2023-12-01. Review status: criteria provided, single submitter. Criteria: ACMG Guidelines, 2015. Collection method: clinical testing. Allele origin: germline. Inheritance: Autosomal dominant inheritance. Observed: 1 variant allele, 1 heterozygote.
Comment: This study involves interpretation of variants in research participants for the purpose of population health screening. Participant phenotype was not available at the time of variant classification. Additional details can be found in publication PMID: 35346344, PMCID: PMC8962531

Labcorp Genetics (formerly Invitae), Labcorp
Classification: Uncertain significance for Gastrointestinal stromal tumor; Pheochromocytoma/paraganglioma syndrome 4; Pheochromocytoma. Last evaluated: 2022-01-28. Review status: criteria provided, single submitter. Criteria: Invitae Variant Classification Sherloc (09022015). Collection method: clinical testing. Allele origin: germline.
Comment: In summary, the available evidence is currently insufficient to determine the role of this variant in disease. Therefore, it has been classified as a Variant of Uncertain Significance. Advanced modeling of protein sequence and biophysical properties (such as structural, functional, and spatial information, amino acid conservation, physicochemical variation, residue mobility, and thermodynamic stability) performed at Invitae indicates that this missense variant is expected to disrupt SDHB protein function. ClinVar contains an entry for this variant (Variation ID: 1007903). This variant has not been reported in the literature in individuals affected with SDHB-related conditions. This variant is present in population databases (rs199789177, gnomAD 0.005%). This sequence change replaces alanine, which is neutral and non-polar, with threonine, which is neutral and polar, at codon 190 of the SDHB protein (p.Ala190Thr).

NM_003000.3(SDHB):c.568G>A (p.Ala190Thr)

Gene: SDHB (succinate dehydrogenase complex iron sulfur subunit B; minus strand). Cytogenetic location: 1p36.13.
Variant type: single nucleotide variant.
Coding change: c.568G>A on transcript NM_003000.3 (MANE Select); coding-DNA position 568, G replaced by A.
Protein change: p.Ala190Thr; replaces alanine 190 with threonine.
Molecular consequence: missense variant.
Genome position (GRCh38, 1-based): chr1:17,024,047, C>T on the plus strand (G>A on the coding strand, the complement: SDHB is on the minus strand). VCF-style: chr1-17024047-C-T. GRCh37 (hg19) VCF-style: chr1-17350542-C-T.
Other names: c.568G>A (NM_003000.2); short protein forms A190T.
Identifiers: ClinVar variation 1007903 (VCV001007903.5), dbSNP rs199789177, ClinGen allele CA089672.
Genomic context (GRCh38, chr1:17,024,047, plus strand): 5'-CAGGCCCCAGATATTTGTCTCCGTTCCACCAGTAGCTGGGGCAGCTGGTGCTACAGCAGG[C>T]ACAGAGAATGCACTCGTAGAGCCCGTCCTGTATGGGGAGAAAAGAGAGGCAGGAGCTTGT-3'
Protein context (NP_002991.2, residues 180-200): LDGLYECILC[Ala190Thr]CCSTSCPSYW